The following is an entry in ClinVar:

NM_021254.4(CFAP298):c.390C>T (p.Ala130=)

Genes: CFAP298 (cilia and flagella associated protein 298; minus strand), CFAP298-TCP10L (CFAP298-TCP10L readthrough; minus strand). Cytogenetic location: 21q22.11.
Variant type: single nucleotide variant.
Coding change: c.390C>T on transcript NM_021254.4 (MANE Select); coding-DNA position 390, C replaced by T.
Protein change: p.Ala130=; no amino-acid change (alanine 130 retained).
Molecular consequence: synonymous variant. On other transcripts: non-coding transcript variant (2).
Genome position (GRCh38, 1-based): chr21:32,604,269, G>A on the plus strand (C>T on the coding strand, the complement: CFAP298 is on the minus strand). VCF-style: chr21-32604269-G-A. GRCh37 (hg19) VCF-style: chr21-33976579-G-A.
Other names: c.390C>T, p.Ala130= (NM_001350338.2, NM_001350335.2, NM_001350336.2 and 1 more transcripts); c.93C>T, p.Ala31= (NM_001350334.2).
Identifiers: ClinVar variation 413307 (VCV000413307.13), dbSNP rs773240777, ClinGen allele CA10002865.

ClinVar aggregate classification (germline): Likely benign. Review status: criteria provided, multiple submitters, no conflicts (2 of 4 stars). 3 submissions from 3 submitters: Likely benign (2). 1 of the submissions does not count toward it. Last evaluated 2025-02-12.

Conditions:
CFAP298-related disorder. Also called: CFAP298-related condition.

Allele frequency attached by ClinVar (database versions not stated): TOPMed 0.00004; gnomAD exomes 0.00006 and 0.00002; ExAC 0.00002; gnomAD 0.00002.

Submissions (3):

Labcorp Genetics (formerly Invitae), Labcorp
Classification: Likely benign. Last evaluated: 2025-02-12. Review status: criteria provided, single submitter. Criteria: Invitae Variant Classification Sherloc (09022015). Collection method: clinical testing. Allele origin: germline.

Blueprint Genetics
Classification: Likely benign. Last evaluated: 2024-09-14. Review status: criteria provided, single submitter. Criteria: ACMG Guidelines, 2015. Collection method: clinical testing. Allele origin: germline.

PreventionGenetics, part of Exact Sciences
Classification: Likely benign for CFAP298-related condition. Last evaluated: 2019-02-22. Review status: no assertion criteria provided. Collection method: clinical testing. Allele origin: germline. Not counted in ClinVar's aggregate classification.
Comment: This variant is classified as likely benign based on ACMG/AMP sequence variant interpretation guidelines (Richards et al. 2015 PMID: 25741868, with internal and published modifications).